The following is an entry in ClinVar:

ClinVar aggregate classification (germline): Uncertain significance (1 of 4 stars; one submission).

gnomAD v4.1: 4 of 1,614,162 alleles (0.00025%); highest among the groups gnomAD compares: Admixed American, 0.0033%; no homozygotes.

Submission:

GeneDx
Classification: Uncertain significance. Last evaluated: 2025-01-16. Review status: criteria provided, single submitter. Criteria: GeneDx Variant Classification Process June 2021. Collection method: clinical testing. Allele origin: germline. Affected: yes.
Comment: In silico analysis supports that this missense variant has a deleterious effect on protein structure/function; Has not been previously published as pathogenic or benign to our knowledge

NM_001256071.3(RNF213):c.14723A>G (p.Tyr4908Cys)

Genes: RNF213 (ring finger protein 213; plus strand), RNF213-AS1 (RNF213 antisense RNA 1; minus strand). Cytogenetic location: 17q25.3.
Variant type: single nucleotide variant.
Coding change: c.14723A>G on transcript NM_001256071.3 (MANE Select); coding-DNA position 14723, A replaced by G.
Protein change: p.Tyr4908Cys; replaces tyrosine 4908 with cysteine.
Molecular consequence: missense variant.
Genome position (GRCh38, 1-based): chr17:80,386,692, A>G. VCF-style: chr17-80386692-A-G. GRCh37 (hg19) VCF-style: chr17-78360492-A-G.
Other names: c.14870A>G, p.Tyr4957Cys (NM_001410195.1, NM_020914.5); short protein forms Y4908C, Y4957C.
Identifiers: ClinVar variation 4070727 (VCV004070727.1).
Genomic context (GRCh38, chr17:80,386,692, plus strand): 5'-AGAGCCCTAGGCCCGCATGCCTGGCCTGGACGCTGAGCGCTGTCTTTCTGCCCCTCAGCT[A>G]TTCCGTGGATGCCGCCGAGGTCACTGAACTGCATGTCATCAGTTATGAAGTGGAGCGGGA-3'
Protein context (NP_001243000.2, residues 4898-4918): VEKLSKENNS[Tyr4908Cys]SVDAAEVTEL